The following is an entry in ClinVar:

NM_000322.5(PRPH2):c.460A>C (p.Lys154Gln)

Gene: PRPH2 (peripherin 2; minus strand). Cytogenetic location: 6p21.1.
Variant type: single nucleotide variant.
Coding change: c.460A>C on transcript NM_000322.5 (MANE Select); coding-DNA position 460, A replaced by C.
Protein change: p.Lys154Gln; replaces lysine 154 with glutamine.
Molecular consequence: missense variant.
Genome position (GRCh38, 1-based): chr6:42,721,875, T>G on the plus strand (A>C on the coding strand, the complement: PRPH2 is on the minus strand). VCF-style: chr6-42721875-T-G. GRCh37 (hg19) VCF-style: chr6-42689613-T-G.
Other names: short protein forms K154Q.
Identifiers: ClinVar variation 1175281 (VCV001175281.3), dbSNP rs1190438836, ClinGen allele CA364137509.
Genomic context (GRCh38, chr6:42,721,875, plus strand): 5'-AGTCCCGAAAACCGTTGTTGCCGCAGCATTTGAACTCGATCTGCAGCATGTCGATGGTCT[T>G]CTTCATGAAACACCTGCCAGGGGTGTCTGTGTCCCGGTAGTACTTCATGCCGTTCTTGAG-3'
Protein context (NP_000313.2, residues 144-164): TDTPGRCFMK[Lys154Gln]TIDMLQIEFK

ClinVar aggregate classification (germline): Uncertain significance. Review status: criteria provided, single submitter (1 of 4 stars). 2 submissions from 2 submitters: Uncertain significance (1). 1 of the submissions does not count toward it. Last evaluated 2024-05-01.

Conditions:
PRPH2-related disorder. Also called: PRPH2-related disorders; PRPH2-related condition. Identifiers: MedGen CN239395.

Allele frequency attached by ClinVar (database versions not stated): gnomAD exomes below 0.00001.
gnomAD v4.1: 3 of 1,614,224 alleles (0.00019%); highest among the groups gnomAD compares: East Asian, 0.0045%; no homozygotes.

Submissions (2):

Labcorp Genetics (formerly Invitae), Labcorp
Classification: Uncertain significance for PRPH2-related disorder. Last evaluated: 2024-05-01. Review status: criteria provided, single submitter. Criteria: Invitae Variant Classification Sherloc (09022015). Collection method: clinical testing. Allele origin: germline.
Comment: This sequence change replaces lysine, which is basic and polar, with glutamine, which is neutral and polar, at codon 154 of the PRPH2 protein (p.Lys154Gln). This variant is present in population databases (no rsID available, gnomAD 0.006%). This missense change has been observed in individual(s) with PRPH2-related conditions and/or retinitis pigmentosa (PMID: 26047050, 26161267, 31054281, 34411390). ClinVar contains an entry for this variant (Variation ID: 1175281). Advanced modeling of protein sequence and biophysical properties (such as structural, functional, and spatial information, amino acid conservation, physicochemical variation, residue mobility, and thermodynamic stability) has been performed at Invitae for this missense variant, however the output from this modeling did not meet the statistical confidence thresholds required to predict the impact of this variant on PRPH2 protein function. In summary, the available evidence is currently insufficient to determine the role of this variant in disease. Therefore, it has been classified as a Variant of Uncertain Significance.

Leiden Open Variation Database
Classification: Uncertain significance. Last evaluated: 2021-04-06. Review status: no assertion criteria provided. Collection method: curation. Allele origin: germline. Affected: yes. Not counted in ClinVar's aggregate classification.
Comment: Curator: Global Variome, with Curator vacancy. Submitter to LOVD: Manon Peeters.

Literature cited by the submitters: PubMed 26047050 (cited by Labcorp Genetics (formerly Invitae), Labcorp and Leiden Open Variation Database); PubMed 26161267 (cited by Labcorp Genetics (formerly Invitae), Labcorp and Leiden Open Variation Database); PubMed 31054281 (cited by Labcorp Genetics (formerly Invitae), Labcorp and Leiden Open Variation Database); PubMed 34411390 (cited by Labcorp Genetics (formerly Invitae), Labcorp).